The following is an entry in ClinVar:

NM_001035.3(RYR2):c.12835A>G (p.Met4279Val)

Genes: RYR2 (ryanodine receptor 2; plus strand), LOC126806068 (BRD4-independent group 4 enhancer GRCh37_chr1:237947411-237948610; plus strand). Cytogenetic location: 1q43.
Variant type: single nucleotide variant.
Coding change: c.12835A>G on transcript NM_001035.3 (MANE Select); coding-DNA position 12835, A replaced by G.
Protein change: p.Met4279Val; replaces methionine 4279 with valine.
Molecular consequence: missense variant.
Genome position (GRCh38, 1-based): chr1:237,784,547, A>G. VCF-style: chr1-237784547-A-G. GRCh37 (hg19) VCF-style: chr1-237947847-A-G.
Other names: c.12835A>G (NM_001035.2); short protein forms M4279V.
Identifiers: ClinVar variation 3074009 (VCV003074009.3), dbSNP rs764507850, ClinGen allele CA085244.

ClinVar aggregate classification (germline): Uncertain significance. Review status: criteria provided, multiple submitters, no conflicts (2 of 4 stars). 3 submissions from 3 submitters: Uncertain significance (3). Last evaluated 2025-09-18.

Conditions:
Catecholaminergic polymorphic ventricular tachycardia (CVPT). Also called: Catecholamine-induced polymorphic ventricular tachycardia. Identifiers: Orphanet 3286, MedGen C5574922, MONDO:0017990.
Catecholaminergic polymorphic ventricular tachycardia 1. Also called: VENTRICULAR TACHYCARDIA, CATECHOLAMINERGIC POLYMORPHIC, 1, WITH OR WITHOUT ATRIAL DYSFUNCTION AND/OR DILATED CARDIOMYOPATHY; RYR2-Related Catecholaminergic Polymorphic Ventricular Tachycardia; VENTRICULAR TACHYCARDIA, STRESS-INDUCED POLYMORPHIC 1. Identifiers: Orphanet 3286, MedGen C1631597, MONDO:0011484, OMIM 604772.
Cardiovascular phenotype. Identifiers: MedGen CN230736.

Allele frequency attached by ClinVar (database versions not stated): ExAC 0.00001; TOPMed 0.00001; gnomAD exomes 0.00002.
gnomAD v4.1: 36 of 1,613,956 alleles (0.0022%); highest among the groups gnomAD compares: Non-Finnish European, 0.0029%; no homozygotes.

Submissions (3):

Ambry Genetics
Classification: Uncertain significance for Cardiovascular phenotype. Last evaluated: 2025-09-18. Review status: criteria provided, single submitter. Criteria: Ambry Variant Classification Scheme 2023. Collection method: clinical testing. Allele origin: germline.
Comment: The p.M4279V variant (also known as c.12835A>G), located in coding exon 90 of the RYR2 gene, results from an A to G substitution at nucleotide position 12835. The methionine at codon 4279 is replaced by valine, an amino acid with highly similar properties. This amino acid position is well conserved in available vertebrate species. In addition, the in silico prediction for this alteration is inconclusive. Based on the available evidence, the clinical significance of this variant remains unclear.

Labcorp Genetics (formerly Invitae), Labcorp
Classification: Uncertain significance for Catecholaminergic polymorphic ventricular tachycardia 1. Last evaluated: 2024-03-25. Review status: criteria provided, single submitter. Criteria: Invitae Variant Classification Sherloc (09022015). Collection method: clinical testing. Allele origin: germline.
Comment: This sequence change replaces methionine, which is neutral and non-polar, with valine, which is neutral and non-polar, at codon 4279 of the RYR2 protein (p.Met4279Val). This variant is present in population databases (rs764507850, gnomAD 0.002%). This variant has not been reported in the literature in individuals affected with RYR2-related conditions. Advanced modeling of protein sequence and biophysical properties (such as structural, functional, and spatial information, amino acid conservation, physicochemical variation, residue mobility, and thermodynamic stability) performed at Invitae indicates that this missense variant is not expected to disrupt RYR2 protein function with a negative predictive value of 95%. In summary, the available evidence is currently insufficient to determine the role of this variant in disease. Therefore, it has been classified as a Variant of Uncertain Significance.

All of Us Research Program, National Institutes of Health
Classification: Uncertain significance for Catecholaminergic polymorphic ventricular tachycardia. Last evaluated: 2023-11-30. Review status: criteria provided, single submitter. Criteria: ACMG Guidelines, 2015. Collection method: clinical testing. Allele origin: germline. Inheritance: Autosomal dominant inheritance. Observed: 1 variant allele, 1 heterozygote.
Comment: This study involves interpretation of variants in research participants for the purpose of population health screening. Participant phenotype was not available at the time of variant classification. Additional details can be found in publication PMID: 35346344, PMCID: PMC8962531